The following is an entry in ClinVar:

NM_001127644.2(GABRA1):c.586T>C (p.Tyr196His)

Gene: GABRA1 (gamma-aminobutyric acid type A receptor subunit alpha1; plus strand). Cytogenetic location: 5q34.
Variant type: single nucleotide variant.
Coding change: c.586T>C on transcript NM_001127644.2 (MANE Select); coding-DNA position 586, T replaced by C.
Protein change: p.Tyr196His; replaces tyrosine 196 with histidine.
Molecular consequence: missense variant.
Genome position (GRCh38, 1-based): chr5:161,882,584, T>C. VCF-style: chr5-161882584-T-C. GRCh37 (hg19) VCF-style: chr5-161309590-T-C.
Other names: c.586T>C, p.Tyr196His (NM_000806.5, NM_001127643.2, NM_001127645.2 and 1 more transcripts); short protein forms Y196H.
Identifiers: ClinVar variation 1342612 (VCV001342612.1), dbSNP rs2113414428, ClinGen allele CA362179446.

ClinVar aggregate classification (germline): Uncertain significance (1 of 4 stars; one submission).

Conditions:
Developmental and epileptic encephalopathy, 19 (DEE19). Also called: Epileptic encephalopathy, early infantile, 19. Identifiers: Orphanet 33069, MedGen C3810400, MONDO:0014328, OMIM 615744.

Submission:

New York Genome Center
Classification: Uncertain significance for Developmental and epileptic encephalopathy, 19. Last evaluated: 2021-05-14. Review status: criteria provided, single submitter. Criteria: NYGC Assertion Criteria 2020. Collection method: clinical testing. Allele origin: inherited. Observed: 1 heterozygote. Study: CSER-NYCKidSeq.
Comment: The inherited c.586T>C, p.Tyr196His missense heterozygous variant identified in GABRA1 has not been reported in the literature. This variant is not reported in the gnomAD database, indicating a rare allele, and in silico tools predict a deleterious effect. Based on the available evidence, the variant c.586T>C,p.Tyr196His in the GABRA1 gene is classified as a Variant of Uncertain Significance.